The following is an entry in ClinVar:

NM_000875.5(IGF1R):c.2693C>A (p.Pro898Gln)

Gene: IGF1R (insulin like growth factor 1 receptor; plus strand). Cytogenetic location: 15q26.3.
Variant type: single nucleotide variant.
Coding change: c.2693C>A on transcript NM_000875.5 (MANE Select); coding-DNA position 2693, C replaced by A.
Protein change: p.Pro898Gln; replaces proline 898 with glutamine.
Molecular consequence: missense variant.
Genome position (GRCh38, 1-based): chr15:98,924,595, C>A. VCF-style: chr15-98924595-C-A. GRCh37 (hg19) VCF-style: chr15-99467824-C-A.
Other names: c.2693C>A, p.Pro898Gln (NM_001291858.2); short protein forms P898Q.
Identifiers: ClinVar variation 4778033 (VCV004778033.1).

ClinVar aggregate classification (germline): Uncertain significance (1 of 4 stars; one submission).

gnomAD v4.1: 31 of 1,613,938 alleles (0.0019%); highest among the groups gnomAD compares: Non-Finnish European, 0.0025%; no homozygotes.

Submission:

Labcorp Genetics (formerly Invitae), Labcorp
Classification: Uncertain significance. Last evaluated: 2025-03-17. Review status: criteria provided, single submitter. Criteria: Invitae Variant Classification Sherloc (09022015). Collection method: clinical testing. Allele origin: germline.
Comment: This sequence change replaces proline, which is neutral and non-polar, with glutamine, which is neutral and polar, at codon 898 of the IGF1R protein (p.Pro898Gln). This variant is present in population databases (rs142608976, gnomAD 0.004%). This variant has not been reported in the literature in individuals affected with IGF1R-related conditions. Invitae Evidence Modeling of protein sequence and biophysical properties (such as structural, functional, and spatial information, amino acid conservation, physicochemical variation, residue mobility, and thermodynamic stability) indicates that this missense variant is expected to disrupt IGF1R protein function with a positive predictive value of 80%. In summary, the available evidence is currently insufficient to determine the role of this variant in disease. Therefore, it has been classified as a Variant of Uncertain Significance.